The following is an entry in ClinVar:

NM_004130.4(GYG1):c.482-130G>A

Gene: GYG1 (glycogenin 1; plus strand). Cytogenetic location: 3q24.
Variant type: single nucleotide variant.
Coding change: c.482-130G>A on transcript NM_004130.4 (MANE Select); 130 bases into the intron before coding-DNA position 482, G replaced by A.
Molecular consequence: intron variant.
Genome position (GRCh38, 1-based): chr3:149,009,146, G>A. VCF-style: chr3-149009146-G-A. GRCh37 (hg19) VCF-style: chr3-148726933-G-A.
Other names: c.482-130G>A (NM_001184720.2, NM_001184721.2).
Identifiers: ClinVar variation 676130 (VCV000676130.2), dbSNP rs6764555, ClinGen allele CA11513429.

ClinVar aggregate classification (germline): Benign. Review status: criteria provided, multiple submitters, no conflicts (2 of 4 stars). 2 submissions from 2 submitters: Benign (2). Last evaluated 2018-06-14.

Allele frequency attached by ClinVar (database versions not stated): TOPMed 0.29418; gnomAD exomes 0.29516; 1000 Genomes Project 30x 0.29888; 1000 Genomes Project 0.30212; gnomAD 0.30876 and 0.30922.
gnomAD v4.1: 198,052 of 664,586 alleles (30%); highest among the groups gnomAD compares: Admixed American, 34%; 30,275 homozygotes.

Submissions (2):

GeneDx
Classification: Benign. Last evaluated: 2018-06-14. Review status: criteria provided, single submitter. Criteria: GeneDx Variant Classification (06012015). Collection method: clinical testing. Allele origin: germline. Affected: yes.
Comment: This variant is considered likely benign or benign based on one or more of the following criteria: it is a conservative change, it occurs at a poorly conserved position in the protein, it is predicted to be benign by multiple in silico algorithms, and/or has population frequency not consistent with disease.

Breakthrough Genomics
Classification: Benign. Review status: criteria provided, single submitter. Criteria: ACMG Guidelines, 2015. Collection method: not provided. Allele origin: germline. Inheritance: Autosomal recessive inheritance. Affected: yes.